The following is an entry in ClinVar:

ClinVar aggregate classification (germline): Uncertain significance (1 of 4 stars; one submission).

gnomAD v4.1: 30 of 1,614,070 alleles (0.0019%); highest among the groups gnomAD compares: Middle Eastern, 0.016%; no homozygotes.

Submission:

Ambry Genetics
Classification: Uncertain significance. Last evaluated: 2026-08-18. Review status: criteria provided, single submitter. Criteria: Ambry Variant Classification Scheme 2023. Collection method: clinical testing. Allele origin: germline.
Comment: The c.1634A>G (p.Y545C) alteration is located in exon 13 (coding exon 13) of the TTC21A gene. This alteration results from a A to G substitution at nucleotide position 1634, causing the tyrosine (Y) at amino acid position 545 to be replaced by a cysteine (C). Based on data from gnomAD, the G allele has an overall frequency of <0.001% (1/249254) total alleles studied. The highest observed frequency was 0.001% (1/113002) of European (non-Finnish) alleles. Based on insufficient or conflicting evidence, the clinical significance of this alteration remains unclear.

NM_001366900.1(TTC21A):c.1613A>G (p.Tyr538Cys)

Gene: TTC21A (tetratricopeptide repeat domain 21A; plus strand). Cytogenetic location: 3p22.2.
Variant type: single nucleotide variant.
Coding change: c.1613A>G on transcript NM_001366900.1 (MANE Select); coding-DNA position 1613, A replaced by G.
Protein change: p.Tyr538Cys; replaces tyrosine 538 with cysteine.
Molecular consequence: missense variant. On other transcripts: non-coding transcript variant (3).
Genome position (GRCh38, 1-based): chr3:39,128,421, A>G. VCF-style: chr3-39128421-A-G. GRCh37 (hg19) VCF-style: chr3-39169912-A-G.
Other names: c.1490A>G, p.Tyr497Cys (NM_001105513.3); c.1637A>G, p.Tyr546Cys (NM_001366899.1); c.1634A>G, p.Tyr545Cys (NM_145755.3); short protein forms Y497C, Y538C, Y545C, Y546C.
Identifiers: ClinVar variation 5031429 (VCV005031429.1).